The following is an entry in ClinVar:

NM_001384474.1(LOXHD1):c.2598+1G>A

Gene: LOXHD1 (lipoxygenase homology PLAT domains 1; minus strand). Cytogenetic location: 18q21.1.
Variant type: single nucleotide variant.
Coding change: c.2598+1G>A on transcript NM_001384474.1 (MANE Select); the canonical splice donor site of the intron after coding-DNA position 2598, G replaced by A.
Molecular consequence: splice donor variant.
Genome position (GRCh38, 1-based): chr18:46,563,064, C>T on the plus strand (G>A on the coding strand, the complement: LOXHD1 is on the minus strand). VCF-style: chr18-46563064-C-T. GRCh37 (hg19) VCF-style: chr18-44143027-C-T.
Other names: c.2598+1G>A (NM_144612.7).
Identifiers: ClinVar variation 2030171 (VCV002030171.7), dbSNP rs1555680544, ClinGen allele CA402372176.

ClinVar aggregate classification (germline): Likely pathogenic. Review status: criteria provided, multiple submitters, no conflicts (2 of 4 stars). 2 submissions from 2 submitters: Likely pathogenic (2). Last evaluated 2022-09-13.

Conditions:
Autosomal recessive nonsyndromic hearing loss 77. Identifiers: Orphanet 90636, MedGen C2746083, MONDO:0013119, OMIM 613079.

Allele frequency attached by ClinVar (database versions not stated): gnomAD exomes below 0.00001.
gnomAD v4.1: 1 of 1,540,208 alleles (0.000065%); highest among the groups gnomAD compares: Non-Finnish European, 0.000088%; no homozygotes.

Submissions (2):

Labcorp Genetics (formerly Invitae), Labcorp
Classification: Likely pathogenic. Last evaluated: 2022-09-13. Review status: criteria provided, single submitter. Criteria: Invitae Variant Classification Sherloc (09022015). Collection method: clinical testing. Allele origin: germline.
Comment: In summary, the currently available evidence indicates that the variant is pathogenic, but additional data are needed to prove that conclusively. Therefore, this variant has been classified as Likely Pathogenic. Algorithms developed to predict the effect of sequence changes on RNA splicing suggest that this variant may disrupt the consensus splice site. This variant has not been reported in the literature in individuals affected with LOXHD1-related conditions. This variant is not present in population databases (gnomAD no frequency). This sequence change affects a donor splice site in intron 18 of the LOXHD1 gene. It is expected to disrupt RNA splicing. Variants that disrupt the donor or acceptor splice site typically lead to a loss of protein function (PMID: 16199547), and loss-of-function variants in LOXHD1 are known to be pathogenic (PMID: 19732867, 21465660, 25792669).

Revvity Omics, Revvity
Classification: Likely pathogenic for Autosomal recessive nonsyndromic hearing loss 77. Last evaluated: 2022-02-14. Review status: criteria provided, single submitter. Criteria: ACMG Guidelines, 2015. Collection method: clinical testing. Allele origin: germline.

Literature cited by the submitters: PubMed 16199547 (cited by Labcorp Genetics (formerly Invitae), Labcorp); PubMed 19732867 (cited by Labcorp Genetics (formerly Invitae), Labcorp); PubMed 21465660 (cited by Labcorp Genetics (formerly Invitae), Labcorp); PubMed 25792669 (cited by Labcorp Genetics (formerly Invitae), Labcorp).